The following is an entry in ClinVar:

NM_003661.4(APOL1):c.-20+739C>T

Gene: APOL1 (apolipoprotein L1; plus strand). Cytogenetic location: 22q12.3.
Variant type: single nucleotide variant.
Coding change: c.-20+739C>T on transcript NM_003661.4 (MANE Select); 739 bases into the intron after 20 bases upstream of the start codon, C replaced by T.
Molecular consequence: intron variant. On other transcripts: 5 prime UTR variant (1).
Genome position (GRCh38, 1-based): chr22:36,253,958, C>T. VCF-style: chr22-36253958-C-T. GRCh37 (hg19) VCF-style: chr22-36650004-C-T.
Other names: c.-5C>T (NM_145343.3); c.-59+739C>T (NM_001136540.2, NM_001362927.2); c.-20+739C>T (NM_001136541.2, NM_003661.3).
Identifiers: ClinVar variation 1316241 (VCV001316241.31), dbSNP rs139494181, ClinGen allele CA10208402.

ClinVar aggregate classification (germline): Benign/Likely benign. Review status: criteria provided, multiple submitters, no conflicts (2 of 4 stars). 5 submissions from 5 submitters: Benign (1); Likely benign (3). 1 of the submissions does not count toward it. Last evaluated 2026-05-01.

Conditions:
APOL1-related disorder. Also called: APOL1-related condition.

Allele frequency attached by ClinVar (database versions not stated): 1000 Genomes Project 30x 0.00484; 1000 Genomes Project 0.00499; TOPMed 0.00760; ESP Exome Variant Server 0.00792; gnomAD 0.00827 and 0.00845; gnomAD exomes 0.00866 and 0.00907; ExAC 0.00873.
gnomAD v4.1: 13,966 of 1,614,048 alleles (0.87%); highest among the groups gnomAD compares: Middle Eastern, 1.3%; 80 homozygotes.

Submissions (5):

CeGaT Center for Human Genetics Tuebingen
Classification: Benign. Last evaluated: 2026-05-01. Review status: criteria provided, single submitter. Criteria: CeGaT Center For Human Genetics Tuebingen Variant Classification Criteria Version 2. Collection method: clinical testing. Allele origin: germline. Affected: yes. Observed: 7 variant alleles.
Comment: APOL1: BP4, BS1, BS2

Blueprint Genetics
Classification: Likely benign. Last evaluated: 2024-11-28. Review status: criteria provided, single submitter. Criteria: ACMG Guidelines, 2015. Collection method: clinical testing. Allele origin: germline.

GeneDx
Classification: Likely benign. Last evaluated: 2019-08-20. Review status: criteria provided, single submitter. Criteria: GeneDx Variant Classification Process June 2021. Collection method: clinical testing. Allele origin: germline. Affected: yes.

Breakthrough Genomics
Classification: Likely benign. Review status: criteria provided, single submitter. Criteria: ACMG Guidelines, 2015. Collection method: not provided. Allele origin: germline. Inheritance: Unknown mechanism. Affected: yes.

PreventionGenetics, part of Exact Sciences
Classification: Benign for APOL1-related condition. Last evaluated: 2019-09-26. Review status: no assertion criteria provided. Collection method: clinical testing. Allele origin: germline. Not counted in ClinVar's aggregate classification.
Comment: This variant is classified as benign based on ACMG/AMP sequence variant interpretation guidelines (Richards et al. 2015 PMID: 25741868, with internal and published modifications).